The following is an entry in ClinVar:

ClinVar aggregate classification (germline): Uncertain significance. Review status: criteria provided, multiple submitters, no conflicts (2 of 4 stars). 3 submissions from 3 submitters: Uncertain significance (3). Last evaluated 2025-11-28.

Conditions:
Age related macular degeneration 1 (ARMD1). Also called: MACULOPATHY, AGE-RELATED, 1. Identifiers: MedGen C1864205, MONDO:0011285, OMIM 603075.

Allele frequency attached by ClinVar (database versions not stated): gnomAD exomes 0.00003 and 0.00002; 1000 Genomes Project 30x 0.00016; TOPMed 0.00001; gnomAD 0.00003 and 0.00004; ExAC 0.00004; 1000 Genomes Project 0.00020.
gnomAD v4.1: 42 of 1,613,412 alleles (0.0026%); highest among the groups gnomAD compares: African/African-American, 0.004%; no homozygotes.

Submissions (3):

Labcorp Genetics (formerly Invitae), Labcorp
Classification: Uncertain significance. Last evaluated: 2025-11-28. Review status: criteria provided, single submitter. Criteria: Invitae Variant Classification Sherloc (09022015). Collection method: clinical testing. Allele origin: germline.
Comment: This sequence change replaces arginine, which is basic and polar, with histidine, which is basic and polar, at codon 1175 of the HMCN1 protein (p.Arg1175His). This variant is present in population databases (rs527332989, gnomAD 0.02%). This variant has not been reported in the literature in individuals affected with HMCN1-related conditions. ClinVar contains an entry for this variant (Variation ID: 294132). An algorithm developed to predict the effect of missense changes on protein structure and function outputs the following: PolyPhen-2: "Benign". The histidine amino acid residue is found in multiple mammalian species, which suggests that this missense change does not adversely affect protein function. In summary, the available evidence is currently insufficient to determine the role of this variant in disease. Therefore, it has been classified as a Variant of Uncertain Significance.

Ambry Genetics
Classification: Uncertain significance. Last evaluated: 2025-10-02. Review status: criteria provided, single submitter. Criteria: Ambry Variant Classification Scheme 2023. Collection method: clinical testing. Allele origin: germline.

Illumina Laboratory Services, Illumina
Classification: Uncertain significance for Age related macular degeneration 1. Last evaluated: 2018-01-13. Review status: criteria provided, single submitter. Criteria: ICSL Variant Classification Criteria 13 December 2019. Collection method: clinical testing. Allele origin: germline.

NM_031935.3(HMCN1):c.3524G>A (p.Arg1175His)

Gene: HMCN1 (hemicentin 1; plus strand). Cytogenetic location: 1q31.1.
Variant type: single nucleotide variant.
Coding change: c.3524G>A on transcript NM_031935.3 (MANE Select); coding-DNA position 3524, G replaced by A.
Protein change: p.Arg1175His; replaces arginine 1175 with histidine.
Molecular consequence: missense variant.
Genome position (GRCh38, 1-based): chr1:185,994,833, G>A. VCF-style: chr1-185994833-G-A. GRCh37 (hg19) VCF-style: chr1-185963965-G-A.
Other names: short protein forms R1175H.
Identifiers: ClinVar variation 294132 (VCV000294132.8), dbSNP rs527332989, ClinGen allele CA1291759.